The following is an entry in ClinVar:

ClinVar aggregate classification (germline): Uncertain significance (1 of 4 stars; one submission).

Conditions:
Hereditary cancer-predisposing syndrome. Also called: Tumor predisposition; Hereditary Cancer Syndrome; Hereditary neoplastic syndrome; Neoplastic Syndromes, Hereditary. Identifiers: Orphanet 140162, MedGen C0027672, MeSH D009386, MONDO:0015356.

Submission:

Ambry Genetics
Classification: Uncertain significance for Hereditary cancer-predisposing syndrome. Last evaluated: 2017-09-21. Review status: criteria provided, single submitter. Criteria: Ambry Variant Classification Scheme 2023. Collection method: clinical testing. Allele origin: germline.
Comment: The p.N118H variant (also known as c.352A>C), located in coding exon 4 of the SDHA gene, results from an A to C substitution at nucleotide position 352. The asparagine at codon 118 is replaced by histidine, an amino acid with similar properties. This amino acid position is not well conserved in available vertebrate species. In addition, this alteration is predicted to be tolerated by in silico analysis. Since supporting evidence is limited at this time, the clinical significance of this alteration remains unclear.

NM_004168.4(SDHA):c.352A>C (p.Asn118His)

Gene: SDHA (succinate dehydrogenase complex flavoprotein subunit A; plus strand). Cytogenetic location: 5p15.33.
Variant type: single nucleotide variant.
Coding change: c.352A>C on transcript NM_004168.4 (MANE Select); coding-DNA position 352, A replaced by C.
Protein change: p.Asn118His; replaces asparagine 118 with histidine.
Molecular consequence: missense variant. On other transcripts: intron variant (1).
Genome position (GRCh38, 1-based): chr5:225,458, A>C. VCF-style: chr5-225458-A-C. GRCh37 (hg19) VCF-style: chr5-225573-A-C.
Other names: c.352A>C, p.Asn118His (NM_001330758.2); c.313-425A>C (NM_001294332.2); short protein forms N118H.
Identifiers: ClinVar variation 486404 (VCV000486404.5), dbSNP rs1553997606, ClinGen allele CA359009264.
Genomic context (GRCh38, chr5:225,458, plus strand): 5'-AGGAGTGGTTGGTGTTTCCAGGGAGGAATCAATGCTGCTCTGGGGAACATGGAGGAGGAC[A>C]ACTGGAGGTGGCATTTCTACGACACCGTGAAGGGCTCCGACTGGCTGGGGGACCAGGATG-3'
Protein context (NP_004159.2, residues 108-128): NAALGNMEED[Asn118His]WRWHFYDTVK